The following is an entry in ClinVar:

ClinVar aggregate classification (germline): Conflicting classifications of pathogenicity. Review status: criteria provided, conflicting classifications (1 of 4 stars). 5 submissions from 5 submitters: Likely pathogenic (1); Uncertain significance (4). Last evaluated 2026-01-05.

Conditions:
Brown-Vialetto-van Laere syndrome 1. Also called: BROWN-VIALETTO-VAN LAERE SYNDROME 1, MILD; BULBAR PALSY, PROGRESSIVE, WITH SENSORINEURAL DEAFNESS; PONTOBULBAR PALSY WITH DEAFNESS. Identifiers: Orphanet 572550, Orphanet 97229, MedGen C0796274, MONDO:0024537, OMIM 211530.
Monogenic hearing loss.
Inborn genetic diseases. Identifiers: MedGen C0950123, MeSH D030342.

Allele frequency attached by ClinVar (database versions not stated): ExAC 0.00001; gnomAD 0.00004; gnomAD exomes 0.00002; TOPMed 0.00003.
gnomAD v4.1: 104 of 1,613,978 alleles (0.0064%); highest among the groups gnomAD compares: Non-Finnish European, 0.0084%; no homozygotes.

Submissions (5):

GeneDx
Classification: Likely pathogenic. Last evaluated: 2026-01-05. Review status: criteria provided, single submitter. Criteria: GeneDx Variant Classification Process June 2021. Collection method: clinical testing. Allele origin: germline. Affected: yes.
Comment: Not observed at significant frequency in large population cohorts (gnomAD); In silico analysis supports that this missense variant has a deleterious effect on protein structure/function; This variant is associated with the following publications: (PMID: 29053833, 29961494, 34395718, 34662687, 37116404, 38974615)

Genetics Laboratory, Great Ormond Street Hospital NHS Foundation Trust, North Thames Genomic Laboratory Hub
Classification: Uncertain significance for Monogenic hearing loss. Last evaluated: 2025-08-19. Review status: criteria provided, single submitter. Criteria: ACGS Best Practice Guidelines for Variant Classification in Rare Disease 2024 v1.2. Collection method: clinical testing. Allele origin: germline. Affected: yes.
Comment: PM2_moderate, PP3_supporting, PM3_moderate

Women's Health and Genetics/Laboratory Corporation of America, LabCorp
Classification: Uncertain significance. Last evaluated: 2024-05-06. Review status: criteria provided, single submitter. Criteria: LabCorp Variant Classification Summary - May 2015. Collection method: clinical testing. Allele origin: germline.
Comment: Variant summary: C20orf54 c.374C>A (p.Thr125Asn) results in a non-conservative amino acid change in the encoded protein sequence. Five of five in-silico tools predict a damaging effect of the variant on protein function. The variant allele was found at a frequency of 2.8e-05 in 282314 control chromosomes. c.374C>A has been reported in the literature in individuals affected with Brown-Vialetto Laere Syndrome 1/ riboflavin transporter deficiency (e.g. Manole_2017, Chaya_2017, Frederick_2021, Elks_2023) . These data indicate that the variant may be associated with disease. To our knowledge, no experimental evidence demonstrating an impact on protein function has been reported. The following publications have been ascertained in the context of this evaluation (PMID: 29053833, 29961494, 34395718, 37116404). ClinVar contains an entry for this variant (Variation ID: 1338936). Based on the evidence outlined above, the variant was classified as VUS-possibly pathogenic.

Ambry Genetics
Classification: Uncertain significance for Inborn genetic diseases. Last evaluated: 2022-10-20. Review status: criteria provided, single submitter. Criteria: Ambry Variant Classification Scheme 2023. Collection method: clinical testing. Allele origin: germline.

Labcorp Genetics (formerly Invitae), Labcorp
Classification: Uncertain significance for Brown-Vialetto-van Laere syndrome 1. Last evaluated: 2022-05-05. Review status: criteria provided, single submitter. Criteria: Invitae Variant Classification Sherloc (09022015). Collection method: clinical testing. Allele origin: germline.
Comment: This sequence change replaces threonine, which is neutral and polar, with asparagine, which is neutral and polar, at codon 125 of the SLC52A3 protein (p.Thr125Asn). This variant is present in population databases (rs767263985, gnomAD 0.006%). This missense change has been observed in individual(s) with Brown-Vialetto-Van Laere syndrome (PMID: 29053833). Algorithms developed to predict the effect of missense changes on protein structure and function are either unavailable or do not agree on the potential impact of this missense change (SIFT: "Tolerated"; PolyPhen-2: "Probably Damaging"; Align-GVGD: "Class C0"). In summary, the available evidence is currently insufficient to determine the role of this variant in disease. Therefore, it has been classified as a Variant of Uncertain Significance.

Literature cited by the submitters: PubMed 29053833 (cited by 3 submitters); PubMed 29961494 (cited by Women's Health and Genetics/Laboratory Corporation of America, LabCorp and Ambry Genetics); PubMed 37116404 (cited by Women's Health and Genetics/Laboratory Corporation of America, LabCorp); PubMed 34395718 (cited by Women's Health and Genetics/Laboratory Corporation of America, LabCorp and Ambry Genetics).

NM_033409.4(SLC52A3):c.374C>A (p.Thr125Asn)

Gene: SLC52A3 (solute carrier family 52 member 3; minus strand). Cytogenetic location: 20p13.
Variant type: single nucleotide variant.
Coding change: c.374C>A on transcript NM_033409.4 (MANE Select); coding-DNA position 374, C replaced by A.
Protein change: p.Thr125Asn; replaces threonine 125 with asparagine.
Molecular consequence: missense variant.
Genome position (GRCh38, 1-based): chr20:765,401, G>T on the plus strand (C>A on the coding strand, the complement: SLC52A3 is on the minus strand). VCF-style: chr20-765401-G-T. GRCh37 (hg19) VCF-style: chr20-746045-G-T.
Other names: c.374C>A, p.Thr125Asn (NM_001370085.1, NM_001370086.1); short protein forms T125N.
Identifiers: ClinVar variation 1338936 (VCV001338936.11), dbSNP rs767263985, ClinGen allele CA346997.